The following is an entry in ClinVar:

ClinVar aggregate classification (germline): Uncertain significance (1 of 4 stars; one submission).

Conditions:
Gorlin syndrome. Also called: Nevoid Basal Cell Carcinoma Syndrome; Basal cell nevus syndrome. Identifiers: Orphanet 377, MedGen C0004779, MONDO:0007187.

gnomAD v4.1: 1 of 1,614,198 alleles (0.000062%); highest among the groups gnomAD compares: East Asian, 0.0022%; no homozygotes.

Submission:

Labcorp Genetics (formerly Invitae), Labcorp
Classification: Uncertain significance for Gorlin syndrome. Last evaluated: 2022-08-29. Review status: criteria provided, single submitter. Criteria: Invitae Variant Classification Sherloc (09022015). Collection method: clinical testing. Allele origin: germline.
Comment: In summary, the available evidence is currently insufficient to determine the role of this variant in disease. Therefore, it has been classified as a Variant of Uncertain Significance. Algorithms developed to predict the effect of missense changes on protein structure and function are either unavailable or do not agree on the potential impact of this missense change (SIFT: "Deleterious"; PolyPhen-2: "Probably Damaging"; Align-GVGD: "Class C0"). This variant has not been reported in the literature in individuals affected with PTCH1-related conditions. This variant is not present in population databases (gnomAD no frequency). This sequence change replaces valine, which is neutral and non-polar, with leucine, which is neutral and non-polar, at codon 1414 of the PTCH1 protein (p.Val1414Leu).

NM_000264.5(PTCH1):c.4240G>T (p.Val1414Leu)

Gene: PTCH1 (patched 1; minus strand). Cytogenetic location: 9q22.32.
Variant type: single nucleotide variant.
Coding change: c.4240G>T on transcript NM_000264.5 (MANE Select); coding-DNA position 4240, G replaced by T.
Protein change: p.Val1414Leu; replaces valine 1414 with leucine.
Molecular consequence: missense variant. On other transcripts: non-coding transcript variant (1).
Genome position (GRCh38, 1-based): chr9:95,447,016, C>A on the plus strand (G>T on the coding strand, the complement: PTCH1 is on the minus strand). VCF-style: chr9-95447016-C-A. GRCh37 (hg19) VCF-style: chr9-98209298-C-A.
Other names: c.4042G>T, p.Val1348Leu (NM_001083602.3); c.4237G>T, p.Val1413Leu (NM_001083603.3); c.3787G>T, p.Val1263Leu (NM_001083604.3, NM_001083605.3, NM_001083606.3 and 1 more transcripts); c.4084G>T, p.Val1362Leu (NM_001354918.2); short protein forms V1263L, V1348L, V1362L, V1413L, V1414L.
Identifiers: ClinVar variation 1718294 (VCV001718294.6), dbSNP rs149667902, ClinGen allele CA374110049.